The following is an entry in ClinVar:

ClinVar aggregate classification (germline): Pathogenic/Likely pathogenic. Review status: criteria provided, multiple submitters, no conflicts (2 of 4 stars). 3 submissions from 3 submitters: Pathogenic (1); Likely pathogenic (2). Last evaluated 2024-07-22.

Conditions:
Autosomal recessive polycystic kidney disease (ARPKD). Also called: AR polycystic kidney disease. Identifiers: Orphanet 731, Orphanet 8378, MedGen C0085548, MeSH D017044, MONDO:0009889.
Polycystic kidney disease 4 (PKD4). Also called: POLYCYSTIC KIDNEY DISEASE 4 WITH OR WITHOUT POLYCYSTIC LIVER DISEASE; POLYCYSTIC KIDNEY AND HEPATIC DISEASE 1; POLYCYSTIC KIDNEY DISEASE, INFANTILE, TYPE I; PKD3; Autosomal Recessive Polycystic Kidney Disease – PKHD1. Identifiers: MedGen C4540575, MONDO:0033004, OMIM 263200.

Submissions (3):

Myriad Genetics, Inc.
Classification: Pathogenic for Polycystic kidney disease 4. Last evaluated: 2024-07-22. Review status: criteria provided, single submitter. Criteria: Myriad Autosomal Dominant, Autosomal Recessive and X-Linked Classification Criteria (2023). Collection method: clinical testing. Allele origin: unknown.
Comment: NM_138694.3(PKHD1):c.1804C>T(Q602*) is expected to be pathogenic in the context of autosomal recessive polycystic kidney disease, PKHD1-related. This variant is predicted to lead to an abnormal or absent protein product due to the creation of a premature termination codon in PKHD1, a gene where loss-of-function variants are known to be pathogenic. Please note: this variant was assessed in the context of healthy population screening.

Natera, Inc.
Classification: Likely pathogenic for Autosomal recessive polycystic kidney disease. Last evaluated: 2024-03-11. Review status: criteria provided, single submitter. Criteria: Natera Variant Classification Schema (03/2026). Collection method: clinical testing. Allele origin: germline.
Comment: The c.1804C>T variant in PKHD1 is a nonsense variant predicted to introduce a stop codon at amino acid 602. This variant is expected to result in nonsense mediated decay, truncation, or a dysfunctional protein product. This variant is rare in the general population with a frequency below the threshold expected for the associated phenotype(s). Given the available evidence, this variant is classified as Likely Pathogenic.

Fulgent Genetics
Classification: Likely pathogenic for Polycystic kidney disease 4. Last evaluated: 2024-01-03. Review status: criteria provided, single submitter. Criteria: ACMG Guidelines, 2015. Collection method: clinical testing. Allele origin: germline.

NM_138694.4(PKHD1):c.1804C>T (p.Gln602Ter)

Gene: PKHD1 (PKHD1 ciliary IPT domain containing fibrocystin/polyductin; minus strand). Cytogenetic location: 6p12.2.
Variant type: single nucleotide variant.
Coding change: c.1804C>T on transcript NM_138694.4 (MANE Select); coding-DNA position 1804, C replaced by T.
Protein change: p.Gln602Ter; replaces glutamine 602 with a stop codon.
Molecular consequence: nonsense.
Genome position (GRCh38, 1-based): chr6:52,055,619, G>A on the plus strand (C>T on the coding strand, the complement: PKHD1 is on the minus strand). VCF-style: chr6-52055619-G-A. GRCh37 (hg19) VCF-style: chr6-51920417-G-A.
Other names: c.1804C>T (NM_138694.3); c.1804C>T, p.Gln602Ter (NM_170724.3); short protein forms Q602*.
Identifiers: ClinVar variation 3594000 (VCV003594000.3).